The following is an entry in ClinVar:

NM_006767.4(LZTR1):c.1942+3A>G

Gene: LZTR1 (leucine zipper like post translational regulator 1; plus strand). Cytogenetic location: 22q11.21.
Variant type: single nucleotide variant.
Coding change: c.1942+3A>G on transcript NM_006767.4 (MANE Select); 3 bases into the intron after coding-DNA position 1942, A replaced by G.
Molecular consequence: intron variant.
Genome position (GRCh38, 1-based): chr22:20,995,029, A>G. VCF-style: chr22-20995029-A-G. GRCh37 (hg19) VCF-style: chr22-21349318-A-G.
Identifiers: ClinVar variation 1365703 (VCV001365703.12), dbSNP rs763690028, ClinGen allele CA10119113.

ClinVar aggregate classification (germline): Uncertain significance. Review status: criteria provided, multiple submitters, no conflicts (2 of 4 stars). 4 submissions from 4 submitters: Uncertain significance (4). Last evaluated 2026-01-18.

Conditions:
Hereditary cancer-predisposing syndrome. Also called: Neoplastic Syndromes, Hereditary; Tumor predisposition; Hereditary neoplastic syndrome; Hereditary Cancer Syndrome. Identifiers: Orphanet 140162, MedGen C0027672, MeSH D009386, MONDO:0015356.
Cardiovascular phenotype. Identifiers: MedGen CN230736.
LZTR1-related schwannomatosis. Also called: Schwannomatosis 2; Schwannomatosis-2, susceptibility to. Identifiers: Orphanet 93921, MedGen C3810283, MONDO:0014299, OMIM 615670.
Noonan syndrome 10 (NS10). Identifiers: Orphanet 648, MedGen C4225280, MONDO:0014693, OMIM 616564.
Noonan syndrome 2 (NS2). Identifiers: Orphanet 648, MedGen C1854469, MONDO:0011531, OMIM 605275.

Allele frequency attached by ClinVar (database versions not stated): TOPMed 0.00002; gnomAD 0.00003 and 0.00004; ExAC 0.00004; gnomAD exomes 0.00005.
gnomAD v4.1: 75 of 1,604,544 alleles (0.0047%); highest among the groups gnomAD compares: Non-Finnish European, 0.0056%; no homozygotes.

Submissions (4):

Labcorp Genetics (formerly Invitae), Labcorp
Classification: Uncertain significance. Last evaluated: 2026-01-18. Review status: criteria provided, single submitter. Criteria: Invitae Variant Classification Sherloc (09022015). Collection method: clinical testing. Allele origin: germline.
Comment: This sequence change falls in intron 16 of the LZTR1 gene. It does not directly change the encoded amino acid sequence of the LZTR1 protein. It affects a nucleotide within the consensus splice site. This variant is present in population databases (rs763690028, gnomAD 0.009%). This variant has not been reported in the literature in individuals affected with LZTR1-related conditions. ClinVar contains an entry for this variant (Variation ID: 1365703). Variants that disrupt the consensus splice site are a relatively common cause of aberrant splicing (PMID: 17576681, 9536098). Algorithms developed to predict the effect of sequence changes on RNA splicing suggest that this variant is not likely to affect RNA splicing. In summary, the available evidence is currently insufficient to determine the role of this variant in disease. Therefore, it has been classified as a Variant of Uncertain Significance.

Ambry Genetics
Classification: Uncertain significance for Cardiovascular phenotype; Hereditary cancer-predisposing syndrome. Last evaluated: 2025-07-14. Review status: criteria provided, single submitter. Criteria: Ambry Variant Classification Scheme 2023. Collection method: clinical testing. Allele origin: germline.
Comment: The c.1942+3A>G intronic variant results from an A to G substitution 3 nucleotides after coding exon 16 in the LZTR1 gene. This nucleotide position is well conserved in available vertebrate species. In silico splice site analysis predicts that this alteration will not have any significant effect on splicing; however, direct evidence is insufficient at this time (Ambry internal data). Based on the available evidence, the clinical significance of this variant remains unclear.

Fulgent Genetics
Classification: Uncertain significance for Noonan syndrome 2; LZTR1-related schwannomatosis; Noonan syndrome 10. Last evaluated: 2024-01-04. Review status: criteria provided, single submitter. Criteria: ACMG Guidelines, 2015. Collection method: clinical testing. Allele origin: germline.

Baylor Genetics
Classification: Uncertain significance for LZTR1-related schwannomatosis. Last evaluated: 2023-10-06. Review status: criteria provided, single submitter. Criteria: ACMG Guidelines, 2015. Collection method: clinical testing. Allele origin: unknown.

Literature cited by the submitters: PubMed 17576681 (cited by Labcorp Genetics (formerly Invitae), Labcorp); PubMed 9536098 (cited by Labcorp Genetics (formerly Invitae), Labcorp).